The following is an entry in ClinVar:

ClinVar aggregate classification (germline): Pathogenic (1 of 4 stars; one submission).

Conditions:
Multiple sulfatase deficiency (MSD). Also called: Mucosulfatidosis; Multiple Sulfatase Deficiency Disease; Sulfatidosis, Juvenile, Austin Type. Identifiers: Orphanet 585, MedGen C0268263, MONDO:0010088, OMIM 272200.

Allele frequency attached by ClinVar (database versions not stated): gnomAD exomes below 0.00001.

Submission:

Labcorp Genetics (formerly Invitae), Labcorp
Classification: Pathogenic for Multiple sulfatase deficiency. Last evaluated: 2022-09-27. Review status: criteria provided, single submitter. Criteria: Invitae Variant Classification Sherloc (09022015). Collection method: clinical testing. Allele origin: germline.
Comment: For these reasons, this variant has been classified as Pathogenic. ClinVar contains an entry for this variant (Variation ID: 1366344). This variant has not been reported in the literature in individuals affected with SUMF1-related conditions. This variant is present in population databases (no rsID available, gnomAD 0.003%). This sequence change creates a premature translational stop signal (p.Ile108Lysfs*33) in the SUMF1 gene. It is expected to result in an absent or disrupted protein product. Loss-of-function variants in SUMF1 are known to be pathogenic (PMID: 12757705, 12757706, 25885655).

Literature cited by the submitters: PubMed 12757705; PubMed 12757706; PubMed 25885655.

NM_182760.4(SUMF1):c.323del (p.Ile108fs)

Gene: SUMF1 (sulfatase modifying factor 1; minus strand). Cytogenetic location: 3p26.1.
Variant type: Deletion.
Coding change: c.323del on transcript NM_182760.4 (MANE Select); coding-DNA position 323, one base deleted (T; older notation c.323delT).
Protein change: p.Ile108fs; shifts the reading frame from isoleucine 108.
Molecular consequence: frameshift variant.
Genome position (GRCh38, 1-based): chr3:4,452,997, A deleted on the plus strand (T on the coding strand, the reverse complement: SUMF1 is on the minus strand). VCF-style (leftmost placement, unchanged base first): chr3-4452996-TA-T. GRCh37 (hg19) VCF-style: chr3-4494680-TA-T.
Other names: c.323del, p.Ile108fs (NM_001164674.2, NM_001164675.2); short protein forms I108fs.
Identifiers: ClinVar variation 1366344 (VCV001366344.6), dbSNP rs1559309659, ClinGen allele CA541214250.